The following is an entry in ClinVar:

ClinVar aggregate classification (germline): Conflicting classifications of pathogenicity. Review status: criteria provided, conflicting classifications (1 of 4 stars). 8 submissions from 8 submitters: Likely pathogenic (1); Uncertain significance (7). Last evaluated 2026-04-03.

Conditions:
Inborn genetic diseases. Identifiers: MedGen C0950123, MeSH D030342.
Glycogen storage disease, type V (GSD5). Also called: MCARDLE DISEASE; MUSCLE GLYCOGEN PHOSPHORYLASE DEFICIENCY; MYOPHOSPHORYLASE DEFICIENCY; PYGM DEFICIENCY; McArdle type glycogen storage disease. Identifiers: Orphanet 368, MedGen C0017924, MONDO:0009293, OMIM 232600.
Tip-toe gait. Also called: Toe walking. Identifiers: MedGen C0427144, HP:0030051.

Allele frequency attached by ClinVar (database versions not stated): ESP Exome Variant Server 0.00008; gnomAD 0.00011; ExAC 0.00001; gnomAD exomes 0.00010 and 0.00005; TOPMed 0.00012.

Submissions (8):

GeneDx
Classification: Uncertain significance. Last evaluated: 2026-04-03. Review status: criteria provided, single submitter. Criteria: GeneDx Variant Classification Process June 2021. Collection method: clinical testing. Allele origin: germline.
Comment: Not observed at significant frequency in large population cohorts (gnomAD); In silico analysis supports that this missense variant has a deleterious effect on protein structure/function; Has not been previously reported as pathogenic or benign in association with PYGM-related disorders to our knowledge; This variant is associated with the following publications: (PMID: 25741863)

Ambry Genetics
Classification: Uncertain significance for Inborn genetic diseases. Last evaluated: 2025-04-21. Review status: criteria provided, single submitter. Criteria: Ambry Variant Classification Scheme 2023. Collection method: clinical testing. Allele origin: germline.

Mayo Clinic Laboratories, Mayo Clinic
Classification: Uncertain significance. Last evaluated: 2025-01-17. Review status: criteria provided, single submitter. Criteria: ACMG Guidelines, 2015. Collection method: clinical testing. Allele origin: germline. Observed: 1 variant allele.
Comment: PP3_strong, PM2_supporting

Blueprint Genetics
Classification: Uncertain significance. Last evaluated: 2024-09-12. Review status: criteria provided, single submitter. Criteria: ACMG Guidelines, 2015. Collection method: clinical testing. Allele origin: germline.

Labcorp Genetics (formerly Invitae), Labcorp
Classification: Uncertain significance for Glycogen storage disease, type V. Last evaluated: 2022-06-26. Review status: criteria provided, single submitter. Criteria: Invitae Variant Classification Sherloc (09022015). Collection method: clinical testing. Allele origin: germline.
Comment: This sequence change replaces arginine, which is basic and polar, with cysteine, which is neutral and slightly polar, at codon 816 of the PYGM protein (p.Arg816Cys). This variant is present in population databases (rs143177272, gnomAD 0.009%). This variant has not been reported in the literature in individuals affected with PYGM-related conditions. ClinVar contains an entry for this variant (Variation ID: 281389). Algorithms developed to predict the effect of missense changes on protein structure and function are either unavailable or do not agree on the potential impact of this missense change (SIFT: "Not Available"; PolyPhen-2: "Probably Damaging"; Align-GVGD: "Not Available"). In summary, the available evidence is currently insufficient to determine the role of this variant in disease. Therefore, it has been classified as a Variant of Uncertain Significance.

Practice for Gait Abnormalities, David Pomarino, Competency Network Toe Walking C/o Practice Pomarino
Classification: Likely pathogenic for Tip-toe gait. Last evaluated: 2021-10-26. Review status: criteria provided, single submitter. Criteria: ACMG Guidelines, 2015. Collection method: clinical testing. Allele origin: germline. Affected: yes.
Comment: Toe Walking has various causes, ranging from idiopathic or habitual reasons to an underlying neuromuscular disease. The most observed form of toe walking is idiopathic toe walking (ITW) - a diagnosis of exclusion. ITW occurs in about 5% of children after their second birthday and is a common problem in pediatric orthopedics. In about 70% of these cases, there is spontaneous remission within six months of the onset of ITW. If the toe walk persists, one can assume the presence of a non-idiopathic form of toe walk (n-ITW). In n-ITW, the causes of the abnormal gait are neurological or myogenic. Differential diagnoses such as infantile cerebral palsy, muscular dystrophy, spinal amyotrophy and hereditary motor-sensory neuropathy as well as rare metabolic disorders of the musculature must be considered (Pomarino et al., 2018). In our clinical ITW consultation, we screen children with n-ITW for a genetic form of tiptoe gait using next generation sequencing for gene variants in 49 genes. These are genes in which gene variants can lead to neuromuscular diseases in which an association with toe-tapping gait has been reported or can be suspected due to patients’ clinical symptoms. To the best of our knowledge, this is the first study in which several patients with toe walking displayed heterozygosity for pathogenic or likely pathogenic PYGM mutations and mild symptoms of the metabolic muscle disease McArdle. The findings of our research are in line with recently published observations in heterozygous family members patients with McArdle disease. We should mention that some of the patients in our cohort harbored heterozygous variants in other genes of our gene panel. However, the numbers in this study were too small to workout any resulting combined genetic effects. It is concluded that genetic conditions can contribute to the development of toe walking. Apparently, even a slight genetic weakening of the muscles can lead to changes to the gait pattern. Future studies must show how the pathomechanism can be explained for the PYGM variants and whether there are new therapeutic approaches to be developed based on this research.

Fulgent Genetics
Classification: Uncertain significance for Glycogen storage disease, type V. Last evaluated: 2018-10-31. Review status: criteria provided, single submitter. Criteria: ACMG Guidelines, 2015. Collection method: clinical testing. Allele origin: unknown.

Eurofins Ntd Llc (ga)
Classification: Uncertain significance. Last evaluated: 2015-06-11. Review status: criteria provided, single submitter. Criteria: EGL Classification Definitions 2015. Collection method: clinical testing. Allele origin: germline. Observed: 1 variant allele, 1 heterozygote.

Literature cited by the submitters: PubMed 25741863 (cited by Mayo Clinic Laboratories, Mayo Clinic); PubMed 29881221 (cited by Practice for Gait Abnormalities, David Pomarino, Competency Network Toe Walking C/o Practice Pomarino); DOI 10.1016/j.rchot.2016.09.001 (cited by Practice for Gait Abnormalities, David Pomarino, Competency Network Toe Walking C/o Practice Pomarino); DOI 10.51793/OS.2022.25.6.010 (cited by Practice for Gait Abnormalities, David Pomarino, Competency Network Toe Walking C/o Practice Pomarino).

NM_005609.4(PYGM):c.2446C>T (p.Arg816Cys)

Gene: PYGM (glycogen phosphorylase, muscle associated; minus strand). Cytogenetic location: 11q13.1.
Variant type: single nucleotide variant.
Coding change: c.2446C>T on transcript NM_005609.4 (MANE Select); coding-DNA position 2446, C replaced by T.
Protein change: p.Arg816Cys; replaces arginine 816 with cysteine.
Molecular consequence: missense variant.
Genome position (GRCh38, 1-based): chr11:64,746,742, G>A on the plus strand (C>T on the coding strand, the complement: PYGM is on the minus strand). VCF-style: chr11-64746742-G-A. GRCh37 (hg19) VCF-style: chr11-64514214-G-A.
Other names: p.Arg816Cys; c.2182C>T, p.Arg728Cys (NM_001164716.1); c.2446C>T (NM_005609.2); short protein forms R816C, R728C.
Identifiers: ClinVar variation 281389 (VCV000281389.14), dbSNP rs143177272, ClinGen allele CA6079510.